The following is an entry in ClinVar:

NM_153700.2(STRC):c.4816dup (p.Leu1606fs)

Gene: STRC (stereocilin; minus strand). Cytogenetic location: 15q15.3.
Variant type: Duplication.
Coding change: c.4816dup on transcript NM_153700.2 (MANE Select); coding-DNA position 4816, one base duplicated (C; older notation c.4816dupC).
Protein change: p.Leu1606fs; shifts the reading frame from leucine 1606.
Molecular consequence: frameshift variant.
Genome position (GRCh38, 1-based): chr15:43,600,900, G duplicated on the plus strand (C on the coding strand, the reverse complement: STRC is on the minus strand). VCF-style (leftmost placement, unchanged base first): chr15-43600899-A-AG. GRCh37 (hg19) VCF-style: chr15-43893097-A-AG.
Other names: short protein forms L1606fs.
Identifiers: ClinVar variation 4291790 (VCV004291790.1).

ClinVar aggregate classification (germline): Pathogenic (1 of 4 stars; one submission).

Conditions:
Autosomal recessive nonsyndromic hearing loss 16. Also called: DFNB16 Nonsyndromic Hearing Loss and Deafness; DEAFNESS, AUTOSOMAL RECESSIVE 16. Identifiers: Orphanet 90636, MedGen C1863561, MONDO:0011364, OMIM 603720.

Submission:

3billion
Classification: Pathogenic for Autosomal recessive nonsyndromic hearing loss 16. Last evaluated: 2024-12-18. Review status: criteria provided, single submitter. Criteria: ACMG Guidelines, 2015. Collection method: clinical testing. Allele origin: germline. Affected: yes.
Comment: The variant is observed at an extremely low frequency in the gnomAD v4.1.0 dataset (total allele frequency: <0.001%). Predicted Consequence/Location: Frameshift: predicted to result in a loss or disruption of normal protein function through nonsense-mediated decay (NMD) or protein truncation. Multiple pathogenic variants are reported downstream of the variant. The variant has been reported to be associated with STRC-related disorder (PMID: 32203226 /3billion dataset). Therefore, this variant is classified as Pathogenic according to the recommendation of ACMG/AMP guideline.

Literature cited by the submitters: PubMed 32203226.